The following is an entry in ClinVar:

NM_001164508.2(NEB):c.3780_3782delinsT (p.Leu1260fs)

Gene: NEB (nebulin; minus strand). Cytogenetic location: 2q23.3.
Variant type: Indel.
Coding change: c.3780_3782delinsT on transcript NM_001164508.2 (MANE Select); coding-DNA positions 3780 to 3782, ATA replaced by T.
Protein change: p.Leu1260fs; shifts the reading frame from leucine 1260.
Molecular consequence: frameshift variant.
Genome position (GRCh38, 1-based): chr2:151,675,384-151,675,386, TAT replaced by A on the plus strand (ATA replaced by T on the coding strand, the reverse complement: NEB is on the minus strand). VCF-style: chr2-151675384-TAT-A. GRCh37 (hg19) VCF-style: chr2-152531898-TAT-A.
Other names: c.3780_3782delinsT, p.Leu1260fs (NM_001164507.2, NM_001271208.2, NM_004543.5); short protein forms L1260fs.
Identifiers: ClinVar variation 1725703 (VCV001725703.2), dbSNP rs2552261833, ClinGen allele CA2580064132.
Genomic context (GRCh38, chr2:151,675,384, plus strand): 5'-AACTGAGGAAGATCAGGACTCATGGTGTATTTATGTTTCACATCTTCTCCTTTAGCCTTG[TAT>A]AAGATCTGCAATAAAATGCATTTCACATAGTGCAAAAAGGAAAATCTATTAATTGTTTGC-3'

ClinVar aggregate classification (germline): Likely pathogenic (1 of 4 stars; one submission).

Conditions:
Nemaline myopathy 2 (NEM2). Also called: Nemaline myopathy 2, autosomal recessive. Identifiers: MedGen C1850569, MONDO:0009725, OMIM 256030.

Submission:

Myriad Genetics, Inc.
Classification: Likely pathogenic for Nemaline myopathy 2. Last evaluated: 2022-03-31. Review status: criteria provided, single submitter. Criteria: Myriad Women's Health Autosomal Recessive and X-Linked Classification Criteria (2021). Collection method: clinical testing. Allele origin: unknown.
Comment: NM_001271208.1(NEB):c.3780_3782delATAinsT(L1260Ffs*4) is expected to be pathogenic in the context of NEB-related nemaline myopathy. This variant is predicted to lead to an abnormal or absent protein product due to the creation of a premature termination codon in NEB, a gene where loss-of-function variants are known to be pathogenic. Please note: this variant was assessed in the context of healthy population screening.